The following is an entry in ClinVar:

NM_000051.4(ATM):c.2245G>C (p.Ala749Pro)

Gene: ATM (ATM serine/threonine kinase; plus strand). Cytogenetic location: 11q22.3.
Variant type: single nucleotide variant.
Coding change: c.2245G>C on transcript NM_000051.4 (MANE Select); coding-DNA position 2245, G replaced by C.
Protein change: p.Ala749Pro; replaces alanine 749 with proline.
Molecular consequence: missense variant.
Genome position (GRCh38, 1-based): chr11:108,256,335, G>C. VCF-style: chr11-108256335-G-C. GRCh37 (hg19) VCF-style: chr11-108127062-G-C.
Other names: c.2245G>C, p.Ala749Pro (NM_001351834.2); c.2245G>C (NM_000051.3); short protein forms A749P.
Identifiers: ClinVar variation 1501219 (VCV001501219.10), dbSNP rs876660163, ClinGen allele CA382539284.

ClinVar aggregate classification (germline): Uncertain significance. Review status: criteria provided, multiple submitters, no conflicts (2 of 4 stars). 2 submissions from 2 submitters: Uncertain significance (2). Last evaluated 2025-04-07.

Conditions:
Ataxia-telangiectasia syndrome (AT). Also called: Cerebello-oculocutaneous telangiectasia; Immunodeficiency with ataxia telangiectasia; AT, COMPLEMENTATION GROUP C; ATAXIA-TELANGIECTASIA, COMPLEMENTATION GROUP A; ATAXIA-TELANGIECTASIA, FRESNO VARIANT; LOUIS-BAR SYNDROME. Identifiers: Orphanet 100, MedGen C0004135, MONDO:0008840, OMIM 208900.
Hereditary cancer-predisposing syndrome. Also called: Tumor predisposition; Hereditary neoplastic syndrome; Neoplastic Syndromes, Hereditary; Hereditary Cancer Syndrome. Identifiers: Orphanet 140162, MedGen C0027672, MeSH D009386, MONDO:0015356.

Submissions (2):

Labcorp Genetics (formerly Invitae), Labcorp
Classification: Uncertain significance for Ataxia-telangiectasia syndrome. Last evaluated: 2025-04-07. Review status: criteria provided, single submitter. Criteria: Invitae Variant Classification Sherloc (09022015). Collection method: clinical testing. Allele origin: germline.
Comment: This sequence change replaces alanine, which is neutral and non-polar, with proline, which is neutral and non-polar, at codon 749 of the ATM protein (p.Ala749Pro). This variant is not present in population databases (gnomAD no frequency). This variant has not been reported in the literature in individuals affected with ATM-related conditions. ClinVar contains an entry for this variant (Variation ID: 1501219). Invitae Evidence Modeling of protein sequence and biophysical properties (such as structural, functional, and spatial information, amino acid conservation, physicochemical variation, residue mobility, and thermodynamic stability) has been performed for this missense variant. However, the output from this modeling did not meet the statistical confidence thresholds required to predict the impact of this variant on ATM protein function. In summary, the available evidence is currently insufficient to determine the role of this variant in disease. Therefore, it has been classified as a Variant of Uncertain Significance.

Ambry Genetics
Classification: Uncertain significance for Hereditary cancer-predisposing syndrome. Last evaluated: 2023-08-01. Review status: criteria provided, single submitter. Criteria: Ambry Variant Classification Scheme 2023. Collection method: clinical testing. Allele origin: germline.
Comment: The p.A749P variant (also known as c.2245G>C), located in coding exon 13 of the ATM gene, results from a G to C substitution at nucleotide position 2245. The alanine at codon 749 is replaced by proline, an amino acid with highly similar properties. This amino acid position is conserved. In addition, this alteration is predicted to be deleterious by in silico analysis. Since supporting evidence is limited at this time, the clinical significance of this alteration remains unclear.